The following is an entry in ClinVar:

ClinVar aggregate classification (germline): Uncertain significance. Review status: criteria provided, multiple submitters, no conflicts (2 of 4 stars). 2 submissions from 2 submitters: Uncertain significance (2). Last evaluated 2025-09-14.

Allele frequency attached by ClinVar (database versions not stated): gnomAD exomes 0.00001 and 0.00003; gnomAD 0.00002 and 0.00003; ExAC 0.00003; TOPMed 0.00003.
gnomAD v4.1: 12 of 1,607,462 alleles (0.00075%); highest among the groups gnomAD compares: African/African-American, 0.013%; no homozygotes.

Submissions (2):

Labcorp Genetics (formerly Invitae), Labcorp
Classification: Uncertain significance. Last evaluated: 2025-09-14. Review status: criteria provided, single submitter. Criteria: Invitae Variant Classification Sherloc (09022015). Collection method: clinical testing. Allele origin: germline.
Comment: This sequence change replaces arginine, which is basic and polar, with glutamine, which is neutral and polar, at codon 31 of the DIAPH3 protein (p.Arg31Gln). This variant is present in population databases (rs764945684, gnomAD 0.03%). This variant has not been reported in the literature in individuals affected with DIAPH3-related conditions. ClinVar contains an entry for this variant (Variation ID: 1201170). An algorithm developed to predict the effect of missense changes on protein structure and function (PolyPhen-2) suggests that this variant is likely to be tolerated. In summary, the available evidence is currently insufficient to determine the role of this variant in disease. Therefore, it has been classified as a Variant of Uncertain Significance.

GeneDx
Classification: Uncertain significance. Last evaluated: 2020-11-24. Review status: criteria provided, single submitter. Criteria: GeneDx Variant Classification Process June 2021. Collection method: clinical testing. Allele origin: germline. Affected: yes.
Comment: In silico analysis supports that this missense variant does not alter protein structure/function; Has not been previously published as pathogenic or benign to our knowledge

NM_001042517.2(DIAPH3):c.92G>A (p.Arg31Gln)

Gene: DIAPH3 (diaphanous related formin 3; minus strand). Cytogenetic location: 13q21.2.
Variant type: single nucleotide variant.
Coding change: c.92G>A on transcript NM_001042517.2 (MANE Select); coding-DNA position 92, G replaced by A.
Protein change: p.Arg31Gln; replaces arginine 31 with glutamine.
Molecular consequence: missense variant.
Genome position (GRCh38, 1-based): chr13:60,163,675, C>T on the plus strand (G>A on the coding strand, the complement: DIAPH3 is on the minus strand). VCF-style: chr13-60163675-C-T. GRCh37 (hg19) VCF-style: chr13-60737809-C-T.
Other names: c.92G>A, p.Arg31Gln (NM_001258366.2, NM_001258367.2, NM_001258368.2 and 1 more transcripts); short protein forms R31Q.
Identifiers: ClinVar variation 1201170 (VCV001201170.4), dbSNP rs764945684, ClinGen allele CA6997120.